The following is an entry in ClinVar:

NC_000013.11:g.(?_32398142)_(32398790_?)del

Gene: BRCA2 (BRCA2 DNA repair associated; plus strand). Cytogenetic location: 13q13.1.
Variant type: Deletion.
Identifiers: ClinVar variation 832104 (VCV000832104.1).

ClinVar aggregate classification (germline): Pathogenic (1 of 4 stars; one submission).

Conditions:
Hereditary breast ovarian cancer syndrome. Also called: Hereditary breast and/or ovarian cancer syndrome; Hereditary breast and ovarian cancer syndrome (HBOC); Breast and ovarian cancer; Hereditary breast and ovarian cancer; BRCA1- and BRCA2-Associated Hereditary Breast and Ovarian Cancer; Hereditary breast and ovarian cancer syndrome. Identifiers: Orphanet 145, MedGen C0677776, MeSH D061325, MONDO:0003582. Disease mechanism: loss of function.

Submission:

Labcorp Genetics (formerly Invitae), Labcorp
Classification: Pathogenic for Hereditary breast and ovarian cancer syndrome. Last evaluated: 2019-04-11. Review status: criteria provided, single submitter. Criteria: Invitae Variant Classification Sherloc (09022015). Collection method: clinical testing. Allele origin: germline.
Comment: This variant is a gross deletion of the genomic region encompassing exon 27 of the BRCA2 gene. The 5' boundary is likely confined to intron 26. The 3' end of this event is unknown as it extends through the termination codon beyond the assayed region for this gene and may encompass additional genes. While this deletion is not anticipated to result in nonsense mediated decay, it is expected to create a truncated protein product or disrupt mRNA translation. A deletion of exon 27 has been observed in an individual affected with breast cancer and colon polyps (PMID: 26681312). This variant disrupts the C-terminus of the BRCA2 protein. Other variant(s) that disrupt this region (p.Tyr3308*) have been determined to be pathogenic (PMID: 17026620, 22711857, 18593900, 18607349). This suggests that variants that disrupt this region of the protein are likely to be causative of disease. For these reasons, this variant has been classified as Pathogenic.

Literature cited by the submitters: PubMed 26681312; PubMed 18607349; PubMed 18593900; PubMed 22711857; PubMed 17026620.